The following is an entry in ClinVar:

NM_000138.5(FBN1):c.7892G>A (p.Cys2631Tyr)

Gene: FBN1 (fibrillin 1; minus strand). Cytogenetic location: 15q21.1.
Variant type: single nucleotide variant.
Coding change: c.7892G>A on transcript NM_000138.5 (MANE Select); coding-DNA position 7892, G replaced by A.
Protein change: p.Cys2631Tyr; replaces cysteine 2631 with tyrosine.
Molecular consequence: missense variant.
Genome position (GRCh38, 1-based): chr15:48,415,695, C>T on the plus strand (G>A on the coding strand, the complement: FBN1 is on the minus strand). VCF-style: chr15-48415695-C-T. GRCh37 (hg19) VCF-style: chr15-48707892-C-T.
Other names: NM_000138.5(FBN1):c.7892G>A; short protein forms C2631Y.
Identifiers: ClinVar variation 42436 (VCV000042436.9), dbSNP rs111856492, ClinGen allele CA017451.
Genomic context (GRCh38, chr15:48,415,695, plus strand): 5'-TCATTGATGTCTTGGCATCCTCCACTGAACTGTTCATACTGGAAGCCGGCGGGACACATG[C>T]ACTTGTAGCTCCCCAGGGTGTTGTGACAGGAGGCTCCTCCGCAGATGTGAGCGCTGAGGC-3'
Protein context (NP_000129.3, residues 2621-2641): SCHNTLGSYK[Cys2631Tyr]MCPAGFQYEQ

ClinVar aggregate classification (germline): Pathogenic. Review status: reviewed by expert panel (3 of 4 stars). 4 submissions from 4 submitters: Pathogenic (1). 3 of the submissions do not count toward it. Last evaluated 2024-08-22.

Conditions:
Marfan syndrome (MFS). Also called: FBN1-Related Marfan Syndrome; Marfan syndrome, classic; MARFAN SYNDROME, TYPE I; Marfan syndrome type 1; Marfan's syndrome. Identifiers: Orphanet 284963, Orphanet 558, MedGen C0024796, MONDO:0007947, OMIM 154700.
Familial thoracic aortic aneurysm and aortic dissection (TAAD). Also called: Thoracic aortic aneurysms and dissections. Identifiers: Orphanet 91387, MedGen C4707243, MONDO:0019625.

Submissions (4):

ClinGen FBN1 Variant Curation Expert Panel, ClinGen
Classification: Pathogenic for Marfan syndrome. Last evaluated: 2024-08-22. Review status: reviewed by expert panel. Criteria: Assertion Criteria VCEP FBN1 Version 1. Collection method: curation. Allele origin: germline. Inheritance: Autosomal dominant inheritance.
Comment: The NM_00138 c.7892G>A, is a missense variant in FBN1 predicted to cause a substitution of a cysteine by tyrosine at amino acid 2631 (p.Cys2631Tyr). This variant has been reported three times in ClinVar: once as pathogenic, once as likely pathogenic, and once as uncertain significance (Variation ID: 42436). This variant has also been identified in at least 2 individuals with clinical diagnosis of MFS as well as in individuals with clinical features of MFS (PMID 24793577, Invitae ClinVar, internal lab data; PS4_Mod). This variant is not present in gnomAD (PM2_sup; v2.1.1). This variant affects a cysteine residue in a calcium binding EGF-like domain. Cysteine residues in these domains are believed to be involved in the formation of disulfide bridges which are essential for the protein structure (PM1_strong). Computational prediction tools and conservation analysis suggest that this variant may impact the protein (REVEL: 0.976, PP3). The constraint z-score for missense variants affecting FBN1 is 8.18 (PP2; v4.0.0)). In summary, this variant meets criteria to be classified as pathogenic for Marfan syndrome based on the ACMG/AMP criteria applied, as specified by the ClinGen FBN1 VCEP: PM1_Strong, PS4_Moderate, PM2_Sup, PP2, PP3, PP4.

Labcorp Genetics (formerly Invitae), Labcorp
Classification: Pathogenic for Marfan syndrome; Familial thoracic aortic aneurysm and aortic dissection. Last evaluated: 2023-01-03. Review status: criteria provided, single submitter. Criteria: Invitae Variant Classification Sherloc (09022015). Collection method: clinical testing. Allele origin: germline. Not counted in ClinVar's aggregate classification.
Comment: For these reasons, this variant has been classified as Pathogenic. This missense change has been observed in individuals with Marfan syndrome (PMID: 24793577; Invitae). This variant is not present in population databases (gnomAD no frequency). This sequence change replaces cysteine, which is neutral and slightly polar, with tyrosine, which is neutral and polar, at codon 2631 of the FBN1 protein (p.Cys2631Tyr). ClinVar contains an entry for this variant (Variation ID: 42436). This variant affects a cysteine residue in the EGF-like, TGFBP or hybrid motif domains of FBN1. Cysteine residues are believed to be involved in intramolecular disulfide bridges and have been shown to be important for FBN1 protein structure (PMID: 16905551, 19349279). In addition, missense substitutions affecting cysteine residues within these domains are significantly overrepresented among patients with Marfan syndrome (PMID: 16571647, 17701892). Advanced modeling of protein sequence and biophysical properties (such as structural, functional, and spatial information, amino acid conservation, physicochemical variation, residue mobility, and thermodynamic stability) performed at Invitae indicates that this missense variant is expected to disrupt FBN1 protein function.

Laboratory for Molecular Medicine, Mass General Brigham Personalized Medicine
Classification: Uncertain significance. Last evaluated: 2016-02-11. Review status: criteria provided, single submitter. Criteria: LMM Criteria. Collection method: clinical testing. Allele origin: germline. Observed: 1 variant allele. Not counted in ClinVar's aggregate classification.
Comment: proposed classification - variant undergoing re-assessment, contact laboratory

Center for Medical Genetics Ghent, University of Ghent
Classification: Likely pathogenic for Marfan syndrome. Last evaluated: 2017-11-07. Review status: no assertion criteria provided. Collection method: clinical testing. Allele origin: germline. Affected: yes. Not counted in ClinVar's aggregate classification.

Literature cited by the submitters: PubMed 24793577 (cited by Labcorp Genetics (formerly Invitae), Labcorp and Laboratory for Molecular Medicine, Mass General Brigham Personalized Medicine); PubMed 16905551 (cited by Labcorp Genetics (formerly Invitae), Labcorp); PubMed 19349279 (cited by Labcorp Genetics (formerly Invitae), Labcorp); PubMed 16571647 (cited by Labcorp Genetics (formerly Invitae), Labcorp); PubMed 17701892 (cited by Labcorp Genetics (formerly Invitae), Labcorp).